The following is an entry in ClinVar:

NM_000459.5(TEK):c.1962A>G (p.Ser654=)

Gene: TEK (TEK receptor tyrosine kinase; plus strand). Cytogenetic location: 9p21.2.
Variant type: single nucleotide variant.
Coding change: c.1962A>G on transcript NM_000459.5 (MANE Select); coding-DNA position 1962, A replaced by G.
Protein change: p.Ser654=; no amino-acid change (serine 654 retained).
Molecular consequence: synonymous variant.
Genome position (GRCh38, 1-based): chr9:27,202,872, A>G. VCF-style: chr9-27202872-A-G. GRCh37 (hg19) VCF-style: chr9-27202870-A-G.
Other names: p.Ser654=; c.1833A>G, p.Ser611= (NM_001290077.2, NM_001375476.1); c.1521A>G, p.Ser507= (NM_001290078.2); c.1962A>G, p.Ser654= (NM_001375475.1).
Identifiers: ClinVar variation 366434 (VCV000366434.22), dbSNP rs639225, ClinGen allele CA5016381.
Genomic context (GRCh38, chr9:27,202,872, plus strand): 5'-ATTTCTAGTTCTTCCTCCTCAACCAGAAAACATCAAGATTTCCAACATTACACACTCCTC[A>G]GCTGTGATTTCTTGGACAATATTGGATGGCTATTCTATTTCTTCTATTACTATCCGTTAC-3'
Protein context (NP_000450.3, residues 644-664): NIKISNITHS[Ser654=]AVISWTILDG

ClinVar aggregate classification (germline): Benign. Review status: criteria provided, multiple submitters, no conflicts (2 of 4 stars). 10 submissions from 9 submitters: Benign (8). 2 of the submissions do not count toward it. Last evaluated 2026-02-02.

Conditions:
Glaucoma 3, primary congenital, E (GLC3E). Identifiers: MedGen C4310639, MONDO:0014998, OMIM 617272.
Multiple cutaneous and mucosal venous malformations (VMCM). Also called: TEK-Related Multiple Cutaneous and Mucosal Venous Malformations (VMCM). Identifiers: Orphanet 2451, MedGen C1838437, MONDO:0010842, OMIM 600195.

Allele frequency attached by ClinVar (database versions not stated): 1000 Genomes Project 0.41434; 1000 Genomes Project 30x 0.41786; TOPMed 0.44226; ESP Exome Variant Server 0.44626; gnomAD 0.45623 and 0.45945; ExAC 0.46488; gnomAD exomes 0.47061 and 0.47800.
gnomAD v4.1: 767,226 of 1,613,684 alleles (48%); highest among the groups gnomAD compares: Admixed American, 51%; 185,217 homozygotes.

Submissions (10):

Labcorp Genetics (formerly Invitae), Labcorp
Classification: Benign. Last evaluated: 2026-02-02. Review status: criteria provided, single submitter. Criteria: Invitae Variant Classification Sherloc (09022015). Collection method: clinical testing. Allele origin: germline.

Blueprint Genetics
Classification: Benign. Last evaluated: 2024-11-27. Review status: criteria provided, single submitter. Criteria: ACMG Guidelines, 2015. Collection method: clinical testing. Allele origin: germline.

Mayo Clinic Laboratories, Mayo Clinic
Classification: Benign. Last evaluated: 2022-04-26. Review status: criteria provided, single submitter. Criteria: ACMG Guidelines, 2015. Collection method: clinical testing. Allele origin: germline. Observed: 600 variant alleles.

Genome-Nilou Lab
Classification: Benign for Glaucoma 3, primary congenital, E. Last evaluated: 2021-09-10. Review status: criteria provided, single submitter. Criteria: ACMG Guidelines, 2015. Collection method: clinical testing. Allele origin: germline. Affected: no.

Genome-Nilou Lab
Classification: Benign for Multiple cutaneous and mucosal venous malformations. Last evaluated: 2021-09-10. Review status: criteria provided, single submitter. Criteria: ACMG Guidelines, 2015. Collection method: clinical testing. Allele origin: germline. Affected: no.

GeneDx
Classification: Benign. Last evaluated: 2018-11-12. Review status: criteria provided, single submitter. Criteria: GeneDx Variant Classification Process June 2021. Collection method: clinical testing. Allele origin: germline. Affected: yes.

Illumina Laboratory Services, Illumina
Classification: Benign for Multiple cutaneous and mucosal venous malformations. Last evaluated: 2018-01-13. Review status: criteria provided, single submitter. Criteria: ICSL Variant Classification Criteria 13 December 2019. Collection method: clinical testing. Allele origin: germline.
Comment: This variant was observed in the ICSL laboratory as part of a predisposition screen in an ostensibly healthy population. It had not been previously curated by ICSL or reported in the Human Gene Mutation Database (HGMD: prior to June 1st, 2018), and was therefore a candidate for classification through an automated scoring system. Utilizing variant allele frequency, disease prevalence and penetrance estimates, and inheritance mode, an automated score was calculated to assess if this variant is too frequent to cause the disease. Based on the score and internal cut-off values, a variant classified as benign is not then subjected to further curation. The score for this variant resulted in a classification of benign for this disease.

Breakthrough Genomics
Classification: Benign. Review status: criteria provided, single submitter. Criteria: ACMG Guidelines, 2015. Collection method: not provided. Allele origin: germline. Inheritance: Autosomal dominant inheritance. Affected: yes.

Clinical Genetics, Academic Medical Center
Classification: Benign. Review status: no assertion criteria provided. Collection method: clinical testing. Allele origin: germline. Affected: yes. Study: VKGL Data-share Consensus. Not counted in ClinVar's aggregate classification.

Diagnostic Laboratory, Department of Genetics, University Medical Center Groningen
Classification: Benign for Multiple cutaneous and mucosal venous malformations. Review status: no assertion criteria provided. Collection method: clinical testing. Allele origin: germline. Affected: yes. Study: VKGL Data-share Consensus. Not counted in ClinVar's aggregate classification.